The following is an entry in ClinVar:

NM_001148.6(ANK2):c.8530T>C (p.Phe2844Leu)

Gene: ANK2 (ankyrin 2; plus strand). Cytogenetic location: 4q26.
Variant type: single nucleotide variant.
Coding change: c.8530T>C on transcript NM_001148.6 (MANE Select); coding-DNA position 8530, T replaced by C.
Protein change: p.Phe2844Leu; replaces phenylalanine 2844 with leucine.
Molecular consequence: missense variant. On other transcripts: intron variant (68).
Genome position (GRCh38, 1-based): chr4:113,357,148, T>C. VCF-style: chr4-113357148-T-C. GRCh37 (hg19) VCF-style: chr4-114278304-T-C.
Other names: c.8296T>C, p.Phe2766Leu (NM_001386142.1); c.4930T>C, p.Phe1644Leu (NM_001386166.1); c.8671T>C, p.Phe2891Leu (NM_001386174.1); c.8647T>C, p.Phe2883Leu (NM_001386175.1); c.4412-3675T>C (NM_001386186.2, NM_001386148.2); c.4214-3675T>C (NM_001354269.3); c.4292-3675T>C (NM_001386187.2); c.4253-3675T>C (NM_001386147.1); and 35 more; short protein forms F2766L, F2883L, F2891L, F2844L, F1644L.
Identifiers: ClinVar variation 5021959 (VCV005021959.1).

ClinVar aggregate classification (germline): Uncertain significance (1 of 4 stars; one submission).

Conditions:
Cardiovascular phenotype. Identifiers: MedGen CN230736.

gnomAD v4.1: 2 of 1,614,106 alleles (0.00012%); highest among the groups gnomAD compares: East Asian, 0.0022%; no homozygotes.

Submission:

Ambry Genetics
Classification: Uncertain significance for Cardiovascular phenotype. Last evaluated: 2026-07-11. Review status: criteria provided, single submitter. Criteria: Ambry Variant Classification Scheme 2023. Collection method: clinical testing. Allele origin: germline.
Comment: The p.F2844L variant (also known as c.8530T>C), located in coding exon 38 of the ANK2 gene, results from a T to C substitution at nucleotide position 8530. The phenylalanine at codon 2844 is replaced by leucine, an amino acid with highly similar properties. This amino acid position is conserved. In addition, this alteration is predicted to be tolerated by in silico analysis. Based on the available evidence, the clinical significance of this variant remains unclear.